The following is an entry in ClinVar:

ClinVar aggregate classification (germline): Uncertain significance (1 of 4 stars; one submission).

Allele frequency attached by ClinVar (database versions not stated): gnomAD exomes 0.00003; ExAC 0.00010; gnomAD 0.00002; TOPMed 0.00007.

Submission:

Labcorp Genetics (formerly Invitae), Labcorp
Classification: Uncertain significance. Last evaluated: 2023-02-22. Review status: criteria provided, single submitter. Criteria: Invitae Variant Classification Sherloc (09022015). Collection method: clinical testing. Allele origin: germline.
Comment: In summary, the available evidence is currently insufficient to determine the role of this variant in disease. Therefore, it has been classified as a Variant of Uncertain Significance. Advanced modeling of protein sequence and biophysical properties (such as structural, functional, and spatial information, amino acid conservation, physicochemical variation, residue mobility, and thermodynamic stability) performed at Invitae indicates that this missense variant is not expected to disrupt FBN3 protein function. This variant has not been reported in the literature in individuals affected with FBN3-related conditions. This variant is present in population databases (rs200478312, gnomAD 0.06%), and has an allele count higher than expected for a pathogenic variant. This sequence change replaces proline, which is neutral and non-polar, with leucine, which is neutral and non-polar, at codon 647 of the FBN3 protein (p.Pro647Leu).

NM_032447.5(FBN3):c.1940C>T (p.Pro647Leu)

Gene: FBN3 (fibrillin 3; minus strand). Cytogenetic location: 19p13.2.
Variant type: single nucleotide variant.
Coding change: c.1940C>T on transcript NM_032447.5 (MANE Select); coding-DNA position 1940, C replaced by T.
Protein change: p.Pro647Leu; replaces proline 647 with leucine.
Molecular consequence: missense variant.
Genome position (GRCh38, 1-based): chr19:8,131,604, G>A on the plus strand (C>T on the coding strand, the complement: FBN3 is on the minus strand). VCF-style: chr19-8131604-G-A. GRCh37 (hg19) VCF-style: chr19-8196488-G-A.
Other names: c.1940C>T, p.Pro647Leu (NM_001321431.2); short protein forms P647L.
Identifiers: ClinVar variation 2078072 (VCV002078072.4), dbSNP rs200478312, ClinGen allele CA9153112.